The following is an entry in ClinVar:

ClinVar aggregate classification (germline): Uncertain significance (1 of 4 stars; one submission).

gnomAD v4.1: 3 of 1,614,198 alleles (0.00019%); highest among the groups gnomAD compares: African/African-American, 0.0013%; no homozygotes.

Submission:

Labcorp Genetics (formerly Invitae), Labcorp
Classification: Uncertain significance. Last evaluated: 2025-12-10. Review status: criteria provided, single submitter. Criteria: Invitae Variant Classification Sherloc (09022015). Collection method: clinical testing. Allele origin: germline.
Comment: This sequence change replaces alanine, which is neutral and non-polar, with valine, which is neutral and non-polar, at codon 592 of the TUBGCP6 protein (p.Ala592Val). This variant is not present in population databases (gnomAD no frequency). This variant has not been reported in the literature in individuals affected with TUBGCP6-related conditions. An algorithm developed to predict the effect of missense changes on protein structure and function (PolyPhen-2) suggests that this variant is likely to be tolerated. In summary, the available evidence is currently insufficient to determine the role of this variant in disease. Therefore, it has been classified as a Variant of Uncertain Significance.

NM_020461.4(TUBGCP6):c.1775C>T (p.Ala592Val)

Gene: TUBGCP6 (tubulin gamma complex component 6; minus strand). Cytogenetic location: 22q13.33.
Variant type: single nucleotide variant.
Coding change: c.1775C>T on transcript NM_020461.4 (MANE Select); coding-DNA position 1775, C replaced by T.
Protein change: p.Ala592Val; replaces alanine 592 with valine.
Molecular consequence: missense variant.
Genome position (GRCh38, 1-based): chr22:50,226,108, G>A on the plus strand (C>T on the coding strand, the complement: TUBGCP6 is on the minus strand). VCF-style: chr22-50226108-G-A. GRCh37 (hg19) VCF-style: chr22-50664537-G-A.
Other names: short protein forms A592V.
Identifiers: ClinVar variation 4732937 (VCV004732937.1).